The following is an entry in ClinVar:

NM_002661.5(PLCG2):c.693-8G>A

Gene: PLCG2 (phospholipase C gamma 2; plus strand). Cytogenetic location: 16q23.3.
Variant type: single nucleotide variant.
Coding change: c.693-8G>A on transcript NM_002661.5 (MANE Select); 8 bases into the intron before coding-DNA position 693, G replaced by A.
Molecular consequence: intron variant.
Genome position (GRCh38, 1-based): chr16:81,883,261, G>A. VCF-style: chr16-81883261-G-A. GRCh37 (hg19) VCF-style: chr16-81916866-G-A.
Other names: c.693-8G>A (NM_001425751.1, NM_001425749.1, NM_001425750.1).
Identifiers: ClinVar variation 4745209 (VCV004745209.2).

ClinVar aggregate classification (germline): Uncertain significance. Review status: criteria provided, multiple submitters, no conflicts (2 of 4 stars). 2 submissions from 2 submitters: Uncertain significance (2). Last evaluated 2026-04-24.

Conditions:
Familial cold autoinflammatory syndrome 3 (FCAS3). Also called: FAMILIAL ATYPICAL COLD URTICARIA; ANTIBODY DEFICIENCY AND IMMUNE DYSREGULATION, PLCG2-ASSOCIATED. Identifiers: Orphanet 300359, MedGen C3280914, MONDO:0013766, OMIM 614468.

gnomAD v4.1: 3 of 1,613,702 alleles (0.00019%); highest among the groups gnomAD compares: Non-Finnish European, 0.00025%; no homozygotes.

Submissions (2):

Greenwood Genetic Center Diagnostic Laboratories, Greenwood Genetic Center
Classification: Uncertain significance. Last evaluated: 2026-04-24. Review status: criteria provided, single submitter. Criteria: ACMG Guidelines, 2015. Collection method: clinical testing. Allele origin: germline.
Comment: PP3

Labcorp Genetics (formerly Invitae), Labcorp
Classification: Uncertain significance for Familial cold autoinflammatory syndrome 3. Last evaluated: 2025-10-11. Review status: criteria provided, single submitter. Criteria: Invitae Variant Classification Sherloc (09022015). Collection method: clinical testing. Allele origin: germline.
Comment: This sequence change falls in intron 8 of the PLCG2 gene. It does not directly change the encoded amino acid sequence of the PLCG2 protein. This variant is not present in population databases (gnomAD no frequency). This variant has not been reported in the literature in individuals affected with PLCG2-related conditions. Algorithms developed to predict the effect of sequence changes on RNA splicing suggest that this variant may disrupt the consensus splice site. In summary, the available evidence is currently insufficient to determine the role of this variant in disease. Therefore, it has been classified as a Variant of Uncertain Significance.